The following is an entry in ClinVar:

NM_014159.7(SETD2):c.1543G>A (p.Glu515Lys)

Gene: SETD2 (SET domain containing 2, histone lysine methyltransferase; minus strand). Cytogenetic location: 3p21.31.
Variant type: single nucleotide variant.
Coding change: c.1543G>A on transcript NM_014159.7 (MANE Select); coding-DNA position 1543, G replaced by A.
Protein change: p.Glu515Lys; replaces glutamic acid 515 with lysine.
Molecular consequence: missense variant. On other transcripts: non-coding transcript variant (1).
Genome position (GRCh38, 1-based): chr3:47,123,093, C>T on the plus strand (G>A on the coding strand, the complement: SETD2 is on the minus strand). VCF-style: chr3-47123093-C-T. GRCh37 (hg19) VCF-style: chr3-47164583-C-T.
Other names: c.1411G>A, p.Glu471Lys (NM_001349370.3); short protein forms E471K, E515K.
Identifiers: ClinVar variation 4850827 (VCV004850827.1).

ClinVar aggregate classification (germline): Uncertain significance (1 of 4 stars; one submission).

Submission:

Greenwood Genetic Center Diagnostic Laboratories, Greenwood Genetic Center
Classification: Uncertain significance. Last evaluated: 2025-03-06. Review status: criteria provided, single submitter. Criteria: ACMG Guidelines, 2015. Collection method: clinical testing. Allele origin: germline.
Comment: PM2, BP4, PP2